The following is an entry in ClinVar:

NM_016441.3(CRIM1):c.1680C>T (p.Asp560=)

Gene: CRIM1 (cysteine rich transmembrane BMP regulator 1). Cytogenetic location: 2p22.2.
Variant type: single nucleotide variant.
Coding change: c.1680C>T on transcript NM_016441.3 (MANE Select); coding-DNA position 1680, C replaced by T.
Protein change: p.Asp560=; no amino-acid change (aspartic acid 560 retained).
Molecular consequence: synonymous variant.
Genome position (GRCh38, 1-based): chr2:36,512,294, C>T. VCF-style: chr2-36512294-C-T. GRCh37 (hg19) VCF-style: chr2-36739437-C-T.
Identifiers: ClinVar variation 3350482 (VCV003350482.1).
Genomic context (GRCh38, chr2:36,512,294, plus strand): 5'-TGTGATTTTCTGACCTCTGACAAAATTTTAATTACCCAGGAAGAATAAGCACGGCTGTGA[C>T]ATCTGTCGCTGTAAGAAATGTCCAGAGCTCTCATGCAGTAAGATCTGCCCCTTGGGTTTC-3'
Protein context (NP_057525.1, residues 550-570): LGLLKNKHGC[Asp560=]ICRCKKCPEL

ClinVar aggregate classification (germline): Likely benign (0 of 4 stars; one submission).

Conditions:
CRIM1-related disorder. Also called: CRIM1-related condition.

gnomAD v4.1: 48 of 1,613,562 alleles (0.003%); highest among the groups gnomAD compares: East Asian, 0.071%; no homozygotes.

Submission:

PreventionGenetics, part of Exact Sciences
Classification: Likely benign for CRIM1-related condition. Last evaluated: 2019-06-07. Review status: no assertion criteria provided. Collection method: clinical testing. Allele origin: germline.
Comment: This variant is classified as likely benign based on ACMG/AMP sequence variant interpretation guidelines (Richards et al. 2015 PMID: 25741868, with internal and published modifications).